The following is an entry in ClinVar:

ClinVar aggregate classification (germline): Uncertain significance (1 of 4 stars; one submission).

Submission:

Labcorp Genetics (formerly Invitae), Labcorp
Classification: Uncertain significance. Last evaluated: 2024-03-01. Review status: criteria provided, single submitter. Criteria: Invitae Variant Classification Sherloc (09022015). Collection method: clinical testing. Allele origin: germline.
Comment: This sequence change replaces glycine, which is neutral and non-polar, with serine, which is neutral and polar, at codon 198 of the ATP6V1A protein (p.Gly198Ser). This variant is not present in population databases (gnomAD no frequency). This variant has not been reported in the literature in individuals affected with ATP6V1A-related conditions. Advanced modeling of protein sequence and biophysical properties (such as structural, functional, and spatial information, amino acid conservation, physicochemical variation, residue mobility, and thermodynamic stability) performed at Invitae indicates that this missense variant is not expected to disrupt ATP6V1A protein function with a negative predictive value of 80%. In summary, the available evidence is currently insufficient to determine the role of this variant in disease. Therefore, it has been classified as a Variant of Uncertain Significance.

NM_001690.4(ATP6V1A):c.592G>A (p.Gly198Ser)

Gene: ATP6V1A (ATPase H+ transporting V1 subunit A; plus strand). Cytogenetic location: 3q13.31.
Variant type: single nucleotide variant.
Coding change: c.592G>A on transcript NM_001690.4 (MANE Select); coding-DNA position 592, G replaced by A.
Protein change: p.Gly198Ser; replaces glycine 198 with serine.
Molecular consequence: missense variant.
Genome position (GRCh38, 1-based): chr3:113,786,259, G>A. VCF-style: chr3-113786259-G-A. GRCh37 (hg19) VCF-style: chr3-113505106-G-A.
Other names: short protein forms G198S.
Identifiers: ClinVar variation 3612371 (VCV003612371.2).